The following is an entry in ClinVar:

ClinVar aggregate classification (germline): Uncertain significance. Review status: criteria provided, multiple submitters, no conflicts (2 of 4 stars). 2 submissions from 2 submitters: Uncertain significance (2). Last evaluated 2024-05-23.

Conditions:
Autosomal dominant limb-girdle muscular dystrophy type 1G (LGMDD3). Also called: MUSCULAR DYSTROPHY, LIMB-GIRDLE, AUTOSOMAL DOMINANT 3; Limb-girdle muscular dystrophy, type 1G. Identifiers: Orphanet 55596, MedGen C1836765, MONDO:0012193, OMIM 609115.

Allele frequency attached by ClinVar (database versions not stated): TOPMed below 0.00001.

Submissions (2):

Labcorp Genetics (formerly Invitae), Labcorp
Classification: Uncertain significance for Autosomal dominant limb-girdle muscular dystrophy type 1G. Last evaluated: 2024-05-23. Review status: criteria provided, single submitter. Criteria: Invitae Variant Classification Sherloc (09022015). Collection method: clinical testing. Allele origin: germline.
Comment: This sequence change replaces alanine, which is neutral and non-polar, with threonine, which is neutral and polar, at codon 99 of the HNRNPDL protein (p.Ala99Thr). This variant is not present in population databases (gnomAD no frequency). This variant has not been reported in the literature in individuals affected with HNRNPDL-related conditions. ClinVar contains an entry for this variant (Variation ID: 1704705). Algorithms developed to predict the effect of missense changes on protein structure and function output the following: SIFT: "Not Available"; PolyPhen-2: "Possibly Damaging"; Align-GVGD: "Not Available". The threonine amino acid residue is found in multiple mammalian species, which suggests that this missense change does not adversely affect protein function. In summary, the available evidence is currently insufficient to determine the role of this variant in disease. Therefore, it has been classified as a Variant of Uncertain Significance.

GeneDx
Classification: Uncertain significance. Last evaluated: 2022-03-07. Review status: criteria provided, single submitter. Criteria: GeneDx Variant Classification Process June 2021. Collection method: clinical testing. Allele origin: germline. Affected: yes.
Comment: Not observed at significant frequency in large population cohorts (gnomAD); In silico analysis supports that this missense variant does not alter protein structure/function; Has not been previously published as pathogenic or benign to our knowledge

NM_031372.4(HNRNPDL):c.295G>A (p.Ala99Thr)

Gene: HNRNPDL (heterogeneous nuclear ribonucleoprotein D like; minus strand). Cytogenetic location: 4q21.22.
Variant type: single nucleotide variant.
Coding change: c.295G>A on transcript NM_031372.4 (MANE Select); coding-DNA position 295, G replaced by A.
Protein change: p.Ala99Thr; replaces alanine 99 with threonine.
Molecular consequence: missense variant. On other transcripts: non-coding transcript variant (1).
Genome position (GRCh38, 1-based): chr4:82,429,396, C>T on the plus strand (G>A on the coding strand, the complement: HNRNPDL is on the minus strand). VCF-style: chr4-82429396-C-T. GRCh37 (hg19) VCF-style: chr4-83350549-C-T.
Other names: c.295G>A, p.Ala99Thr (NM_001207000.1); short protein forms A99T.
Identifiers: ClinVar variation 1704705 (VCV001704705.4), dbSNP rs747779194, ClinGen allele CA357172645.
Genomic context (GRCh38, chr4:82,429,396, plus strand): 5'-TGACGGAGCTGTCGGCAGGGGGGTGCTGGCGCGCAGTCCGGGTCGCGGCAGCAGCGGCGG[C>T]GGAGCGTTGTATGGAGCTGGATTTAAAATGGCGGCGGAAGAGATCCGGGCGCCGCCTGCG-3'
Protein context (NP_112740.1, residues 89-109): HFKSSSIQRS[Ala99Thr]AAAAATRTAR